The following is an entry in ClinVar:

ClinVar aggregate classification (germline): Uncertain significance (1 of 4 stars; one submission).

Submission:

GeneDx
Classification: Uncertain significance. Last evaluated: 2026-03-26. Review status: criteria provided, single submitter. Criteria: GeneDx Variant Classification Process June 2021. Collection method: clinical testing. Allele origin: germline.
Comment: Not observed at significant frequency in large population cohorts (gnomAD); In silico analysis supports that this missense variant has a deleterious effect on protein structure/function; Has not been previously published as pathogenic or benign to our knowledge

NM_016148.5(SHANK1):c.3470C>G (p.Thr1157Ser)

Gene: SHANK1 (SH3 and multiple ankyrin repeat domains 1; minus strand). Cytogenetic location: 19q13.33.
Variant type: single nucleotide variant.
Coding change: c.3470C>G on transcript NM_016148.5 (MANE Select); coding-DNA position 3470, C replaced by G.
Protein change: p.Thr1157Ser; replaces threonine 1157 with serine.
Molecular consequence: missense variant.
Genome position (GRCh38, 1-based): chr19:50,668,490, G>C on the plus strand (C>G on the coding strand, the complement: SHANK1 is on the minus strand). VCF-style: chr19-50668490-G-C. GRCh37 (hg19) VCF-style: chr19-51171747-G-C.
Other names: short protein forms T1157S.
Identifiers: ClinVar variation 5017627 (VCV005017627.1).